The following is an entry in ClinVar:

NM_002474.3(MYH11):c.4345A>C (p.Lys1449Gln)

Genes: MYH11 (myosin heavy chain 11; minus strand), NDE1 (nudE neurodevelopment protein 1; plus strand). Cytogenetic location: 16p13.11.
Variant type: single nucleotide variant.
Coding change: c.4345A>C on transcript NM_002474.3 (MANE Select); coding-DNA position 4345, A replaced by C.
Protein change: p.Lys1449Gln; replaces lysine 1449 with glutamine.
Molecular consequence: missense variant. On other transcripts: intron variant (2).
Genome position (GRCh38, 1-based): chr16:15,724,181, T>G on the plus strand (A>C on the coding strand, the complement: MYH11 is on the minus strand). VCF-style: chr16-15724181-T-G. GRCh37 (hg19) VCF-style: chr16-15818038-T-G.
Other names: c.4366A>C, p.Lys1456Gln (NM_001040113.2, NM_001040114.2); c.4345A>C, p.Lys1449Gln (NM_022844.3); c.948-10T>G (NM_001143979.2, NM_017668.3); short protein forms K1456Q, K1449Q.
Identifiers: ClinVar variation 392027 (VCV000392027.17), dbSNP rs775809843, ClinGen allele CA7921709.

ClinVar aggregate classification (germline): Conflicting classifications of pathogenicity. Review status: criteria provided, conflicting classifications (1 of 4 stars). 6 submissions from 6 submitters: Uncertain significance (5); Likely benign (1). Last evaluated 2025-12-20.

Conditions:
Familial thoracic aortic aneurysm and aortic dissection (TAAD). Also called: Thoracic aortic aneurysms and dissections. Identifiers: Orphanet 91387, MedGen C4707243, MONDO:0019625.
Aortic aneurysm, familial thoracic 4 (AAT4). Also called: AORTIC ANEURYSM/AORTIC DISSECTION AND PATENT DUCTUS ARTERIOSUS. Identifiers: MedGen C1851504, MONDO:0007568, OMIM 132900.

Allele frequency attached by ClinVar (database versions not stated): gnomAD 0.00005; gnomAD exomes 0.00005 and 0.00010; ExAC 0.00007; TOPMed 0.00007.
gnomAD v4.1: 158 of 1,613,720 alleles (0.0098%); highest among the groups gnomAD compares: Non-Finnish European, 0.011%; no homozygotes.

Submissions (6):

Labcorp Genetics (formerly Invitae), Labcorp
Classification: Uncertain significance for Aortic aneurysm, familial thoracic 4. Last evaluated: 2025-12-20. Review status: criteria provided, single submitter. Criteria: Invitae Variant Classification Sherloc (09022015). Collection method: clinical testing. Allele origin: germline.
Comment: This sequence change replaces lysine, which is basic and polar, with glutamine, which is neutral and polar, at codon 1456 of the MYH11 protein (p.Lys1456Gln). This variant is present in population databases (rs775809843, gnomAD 0.007%). This missense change has been observed in individual(s) with congenital ductus arteriosus aneurysm and aortic dissection (PMID: 31916526, 37625564). ClinVar contains an entry for this variant (Variation ID: 392027). Invitae Evidence Modeling of protein sequence and biophysical properties (such as structural, functional, and spatial information, amino acid conservation, physicochemical variation, residue mobility, and thermodynamic stability) indicates that this missense variant is not expected to disrupt MYH11 protein function with a negative predictive value of 95%. In summary, the available evidence is currently insufficient to determine the role of this variant in disease. Therefore, it has been classified as a Variant of Uncertain Significance.

Blueprint Genetics
Classification: Likely benign. Last evaluated: 2024-11-06. Review status: criteria provided, single submitter. Criteria: ACMG Guidelines, 2015. Collection method: clinical testing. Allele origin: germline.

Women's Health and Genetics/Laboratory Corporation of America, LabCorp
Classification: Uncertain significance. Last evaluated: 2024-10-15. Review status: criteria provided, single submitter. Criteria: LabCorp Variant Classification Summary - May 2015. Collection method: clinical testing. Allele origin: germline.
Comment: Variant summary: MYH11 c.4366A>C (p.Lys1456Gln), also reported as K1449Q, results in a conservative amino acid change located in the Myosin tail domain (IPR002928) of the encoded protein sequence. Four of five in-silico tools predict a damaging effect of the variant on protein function. The variant allele was found at a frequency of 5.2e-05 in 251486 control chromosomes. While higher than expected for autosomal dominant MYH11-related conditions, this frequency is not significantly higher than estimated for a pathogenic variant in MYH11 causing autosomal recessive Megacystis-Microcolon Hypoperistalsis Syndrome 2, allowing no conclusion about variant significance. c.4366A>C has been reported in the literature in at least 2 individuals affected with clinical features of MYH11-related cardiac conditions (example, Ardhanari_2020, Chen_2023). These report(s) do not provide unequivocal conclusions about association of the variant with MYH11-related conditions. To our knowledge, no experimental evidence demonstrating an impact on protein function has been reported. The following publications have been ascertained in the context of this evaluation (PMID: 31916526, 37625564). ClinVar contains an entry for this variant (Variation ID: 392027). Based on the evidence outlined above, the variant was classified as uncertain significance.

Color Diagnostics, LLC DBA Color Health
Classification: Uncertain significance for Familial thoracic aortic aneurysm and aortic dissection. Last evaluated: 2024-02-06. Review status: criteria provided, single submitter. Criteria: ACMG Guidelines, 2015. Collection method: clinical testing. Allele origin: germline.
Comment: This missense variant replaces lysine with glutamine at codon 1456 of the MYH11 protein. Computational prediction tools indicate that this variant has a deleterious impact on protein structure and function. To our knowledge, functional studies have not been reported for this variant. This variant has been reported in one infant affected with congenital ductus arteriosus aneurysm (PMID: 31916526). This variant has been identified in 13/251486 chromosomes in the general population by the Genome Aggregation Database (gnomAD). The available evidence is insufficient to determine the role of this variant in disease conclusively. Therefore, this variant is classified as a Variant of Uncertain Significance.

Ambry Genetics
Classification: Uncertain significance for Familial thoracic aortic aneurysm and aortic dissection. Last evaluated: 2023-08-18. Review status: criteria provided, single submitter. Criteria: Ambry Variant Classification Scheme 2023. Collection method: clinical testing. Allele origin: germline.
Comment: The p.K1449Q variant (also known as c.4345A>C), located in coding exon 30 of the MYH11 gene, results from an A to C substitution at nucleotide position 4345. The lysine at codon 1449 is replaced by glutamine, an amino acid with similar properties. This variant (referred to as NM_001040113.1c.4366A>C, p. Lys1456Gln) has been detected in a case with congenital ductus arteriosus aneurysm and intestinal atresia (Ardhanari M et al. Cardiol Young, 2020 Jan;30:123-125). This amino acid position is highly conserved in available vertebrate species. In addition, the in silico prediction for this alteration is inconclusive. Since supporting evidence is limited at this time, the clinical significance of this alteration remains unclear.

GeneDx
Classification: Uncertain significance. Last evaluated: 2016-12-21. Review status: criteria provided, single submitter. Criteria: GeneDx Variant Classification (06012015). Collection method: clinical testing. Allele origin: germline. Affected: yes.
Comment: The c.948-10 T>G variant has not been published as a pathogenic variant, nor has it been reported as a benign variant to our knowledge. The c.948-10 T>G variant is not observed at a significant frequency in large population cohorts (Lek et al., 2016; 1000 Genomes Consortium et al., 2015; Exome Variant Server). Several in-silico splice prediction models predict that c.948-10 T>G has no impact on splicing. However, in the absence of RNA/functional studies, the actual effect of this sequence change in this individual is unknown. Therefore, based on the currently available information, it is unclear whether this variant is a pathogenic variant or a rare benign variant.

Literature cited by the submitters: PubMed 31916526 (cited by 4 submitters); PubMed 37625564 (cited by Labcorp Genetics (formerly Invitae), Labcorp and Women's Health and Genetics/Laboratory Corporation of America, LabCorp).